The following is an entry in ClinVar:

NC_000016.10:g.(?_89919259)_(89920212_?)del

Gene: MC1R (melanocortin 1 receptor; plus strand). Cytogenetic location: 16q24.3.
Variant type: Deletion.
Identifiers: ClinVar variation 832731 (VCV000832731.3).

ClinVar aggregate classification (germline): Uncertain significance (1 of 4 stars; one submission).

Conditions:
Melanoma, cutaneous malignant, susceptibility to, 5. Also called: Cutaneous malignant melanoma 5. Identifiers: Orphanet 618, MedGen C2751295, MONDO:0013133, OMIM 613099.

Submission:

Labcorp Genetics (formerly Invitae), Labcorp
Classification: Uncertain significance for Melanoma, cutaneous malignant, susceptibility to, 5. Last evaluated: 2019-09-29. Review status: criteria provided, single submitter. Criteria: Invitae Variant Classification Sherloc (09022015). Collection method: clinical testing. Allele origin: germline.
Comment: In summary, the available evidence is currently insufficient to determine the role of this variant in disease. Therefore, it has been classified as a Variant of Uncertain Significance. The current clinical and genetic evidence is not sufficient to establish whether loss-of-function variants in MC1R cause disease. This variant has not been reported in the literature in individuals with MC1R-related conditions. A gross deletion of the genomic region encompassing the full coding sequence of the MC1R gene has been identified. The boundaries of this event are unknown as the deletion extends beyond the assayed region for this gene and therefore may encompass additional genes.